The following is an entry in ClinVar:

ClinVar aggregate classification (germline): Conflicting classifications of pathogenicity. Review status: criteria provided, conflicting classifications (1 of 4 stars). 3 submissions from 3 submitters: Uncertain significance (2); Likely benign (1). Last evaluated 2024-04-10.

Conditions:
Long QT syndrome (LQTS). Identifiers: MedGen C0023976, MeSH D008133, MONDO:0002442. Disease mechanism: loss of function. Inheritance: Various modes of inheritance.
Cardiovascular phenotype. Identifiers: MedGen CN230736.
Long QT syndrome 5 (LQT5). Identifiers: Orphanet 101016, Orphanet 768, MedGen C1867904, MONDO:0013372, OMIM 613695.
Jervell and Lange-Nielsen syndrome 2 (JLNS2). Identifiers: Orphanet 768, Orphanet 90647, MedGen C2676723, MONDO:0012871, OMIM 612347.

Submissions (4):

Labcorp Genetics (formerly Invitae), Labcorp
Classification: Uncertain significance for Long QT syndrome. Last evaluated: 2024-04-10. Review status: criteria provided, single submitter. Criteria: Invitae Variant Classification Sherloc (09022015). Collection method: clinical testing. Allele origin: germline.
Comment: This sequence change replaces valine, which is neutral and non-polar, with isoleucine, which is neutral and non-polar, at codon 21 of the KCNE1 protein (p.Val21Ile). This variant is present in population databases (no rsID available, gnomAD no frequency). This variant has not been reported in the literature in individuals affected with KCNE1-related conditions. Advanced modeling of protein sequence and biophysical properties (such as structural, functional, and spatial information, amino acid conservation, physicochemical variation, residue mobility, and thermodynamic stability) performed at Invitae indicates that this missense variant is not expected to disrupt KCNE1 protein function with a negative predictive value of 95%. In summary, the available evidence is currently insufficient to determine the role of this variant in disease. Therefore, it has been classified as a Variant of Uncertain Significance.

Ambry Genetics
Classification: Likely benign for Cardiovascular phenotype. Last evaluated: 2024-01-14. Review status: criteria provided, single submitter. Criteria: Ambry Variant Classification Scheme 2023. Collection method: clinical testing. Allele origin: germline.

Department of Pathology and Laboratory Medicine, Sinai Health System
Classification: Uncertain significance for Jervell and Lange-Nielsen syndrome 2; Long QT syndrome 5. Last evaluated: 2021-07-30. Review status: criteria provided, single submitter. Criteria: ACMG Guidelines, 2015. Collection method: research. Allele origin: germline.

Roden Lab, Vanderbilt University Medical Center
No classification provided (evidence only). Condition: Long QT syndrome 5. Review status: no classification provided. Collection method: in vitro. Allele origin: not applicable. Functional consequence: Effect on ion channel function. Not counted in ClinVar's aggregate classification.
ClinVar note: "not provided" was previously submitted as the classification for the variant. However, the classification appeared to be based only on an observation of functional data so it was converted to no classification on 2025-07-30.

NM_000219.6(KCNE1):c.61G>A (p.Val21Ile)

Gene: KCNE1 (potassium voltage-gated channel subfamily E regulatory subunit 1; minus strand). Cytogenetic location: 21q22.12.
Variant type: single nucleotide variant.
Coding change: c.61G>A on transcript NM_000219.6 (MANE Select); coding-DNA position 61, G replaced by A.
Protein change: p.Val21Ile; replaces valine 21 with isoleucine.
Molecular consequence: missense variant.
Genome position (GRCh38, 1-based): chr21:34,449,574, C>T on the plus strand (G>A on the coding strand, the complement: KCNE1 is on the minus strand). VCF-style: chr21-34449574-C-T. GRCh37 (hg19) VCF-style: chr21-35821872-C-T.
Other names: c.61G>A, p.Val21Ile (NM_001127668.4, NM_001127669.4, NM_001127670.4 and 4 more transcripts); short protein forms V21I.
Identifiers: ClinVar variation 3230646 (VCV003230646.6), dbSNP rs1308048353, ClinGen allele CA410198554.